The following is an entry in ClinVar:

ClinVar aggregate classification (germline): Uncertain significance. Review status: criteria provided, multiple submitters, no conflicts (2 of 4 stars). 2 submissions from 2 submitters: Uncertain significance (2). Last evaluated 2024-03-08.

Conditions:
Dilated cardiomyopathy 1J (CMD1J). Also called: CARDIOMYOPATHY, DILATED, WITH SENSORINEURAL HEARING LOSS, AUTOSOMAL DOMINANT. Identifiers: Orphanet 217622, MedGen C1854368, MONDO:0011541, OMIM 605362.

gnomAD v4.1: 6 of 1,613,912 alleles (0.00037%); highest among the groups gnomAD compares: African/African-American, 0.004%; no homozygotes.

Submissions (2):

Labcorp Genetics (formerly Invitae), Labcorp
Classification: Uncertain significance for Dilated cardiomyopathy 1J. Last evaluated: 2024-03-08. Review status: criteria provided, single submitter. Criteria: Invitae Variant Classification Sherloc (09022015). Collection method: clinical testing. Allele origin: germline.
Comment: This sequence change replaces proline, which is neutral and non-polar, with glutamine, which is neutral and polar, at codon 229 of the EYA4 protein (p.Pro229Gln). This variant is not present in population databases (gnomAD no frequency). This variant has not been reported in the literature in individuals affected with EYA4-related conditions. ClinVar contains an entry for this variant (Variation ID: 1723644). Advanced modeling of protein sequence and biophysical properties (such as structural, functional, and spatial information, amino acid conservation, physicochemical variation, residue mobility, and thermodynamic stability) performed at Invitae indicates that this missense variant is not expected to disrupt EYA4 protein function with a negative predictive value of 80%. In summary, the available evidence is currently insufficient to determine the role of this variant in disease. Therefore, it has been classified as a Variant of Uncertain Significance.

GeneDx
Classification: Uncertain significance. Last evaluated: 2022-10-27. Review status: criteria provided, single submitter. Criteria: GeneDx Variant Classification Process June 2021. Collection method: clinical testing. Allele origin: germline. Affected: yes.
Comment: Not observed at a significant frequency in large population cohorts (gnomAD); In silico analysis supports that this missense variant does not alter protein structure/function; Has not been previously published as pathogenic or benign to our knowledge

NM_004100.5(EYA4):c.686C>A (p.Pro229Gln)

Gene: EYA4 (EYA transcriptional coactivator and phosphatase 4; plus strand). Cytogenetic location: 6q23.2.
Variant type: single nucleotide variant.
Coding change: c.686C>A on transcript NM_004100.5 (MANE Select); coding-DNA position 686, C replaced by A.
Protein change: p.Pro229Gln; replaces proline 229 with glutamine.
Molecular consequence: missense variant.
Genome position (GRCh38, 1-based): chr6:133,462,726, C>A. VCF-style: chr6-133462726-C-A. GRCh37 (hg19) VCF-style: chr6-133783864-C-A.
Other names: c.524C>A, p.Pro175Gln (NM_001301012.2, NM_001370459.1); c.686C>A, p.Pro229Gln (NM_001301013.2, NM_172105.4); c.617C>A, p.Pro206Gln (NM_001370458.1, NM_172103.4); short protein forms P175Q, P206Q, P229Q.
Identifiers: ClinVar variation 1723644 (VCV001723644.7), dbSNP rs769220102, ClinGen allele CA365699517.